The following is an entry in ClinVar:

ClinVar aggregate classification (germline): Conflicting classifications of pathogenicity. Review status: criteria provided, conflicting classifications (1 of 4 stars). 2 submissions from 2 submitters: Likely pathogenic (1); Uncertain significance (1). Last evaluated 2025-09-29.

Conditions:
Deficiency of steroid 11-beta-monooxygenase (CYP11B1). Also called: Congenital adrenal hyperplasia due to 11-beta-hydroxylase deficiency; ADRENAL HYPERPLASIA, CONGENITAL, DUE TO STEROID 11-BETA-HYDROXYLASE DEFICIENCY; 11-BETA-HYDROXYLASE DEFICIENCY; ADRENAL HYPERPLASIA IV; P450C11B1 DEFICIENCY; STEROID 11-BETA-HYDROXYLASE DEFICIENCY. Identifiers: Orphanet 90795, MedGen C0268292, MONDO:0008729, OMIM 202010. Disease mechanism: loss of function.
CYP11B1-related disorder. Also called: CYP11B1-related condition.

gnomAD v4.1: 6 of 1,613,954 alleles (0.00037%); highest among the groups gnomAD compares: Non-Finnish European, 0.00051%; no homozygotes.

Submissions (2):

PreventionGenetics, part of Exact Sciences
Classification: Uncertain significance for CYP11B1-related condition. Last evaluated: 2025-09-29. Review status: criteria provided, single submitter. Criteria: ACMG Guidelines, 2015. Collection method: clinical testing. Allele origin: germline.
Comment: The CYP11B1 c.422G>T variant is predicted to result in the amino acid substitution p.Arg141Leu. To our knowledge, this variant has not been reported in the literature or in a large population database (gnomAD), indicating this variant is rare. The p.Arg141 residue is highly conserved. Of note, a different substitution at the same codon, defined as c.422G>A (p.Arg141Gln), was reported in the compound heterozygous state with a pathogenic missense variant c.953C>G (p.Thr318Arg) in an individual with 11𝛽-hydroxylase deficiency (Dumic et al. 2014. PubMed ID: 24987415); and the c.422G>A (p.Arg141Gln) variant is classified as likely pathogenic by the vast majority of the clinical laboratories including PreventionGenetics in ClinVar (Variation ID: 77208). Although we suspect that the c.422G>T (p.Arg141Leu) variant may be pathogenic, at this time, the clinical significance of this variant is uncertain due to the absence of conclusive functional and genetic evidence.

Clinical Biochemistry Laboratory, Health Services Laboratory
Classification: Likely pathogenic for Deficiency of steroid 11-beta-monooxygenase. Last evaluated: 2023-11-20. Review status: criteria provided, single submitter. Criteria: ACMG Guidelines, 2015. Collection method: clinical testing. Allele origin: germline. Affected: yes.
Comment: ACMG:PM1 PM2 PM3 PP3 PP4

NM_000497.4(CYP11B1):c.422G>T (p.Arg141Leu)

Genes: CYP11B1 (cytochrome P450 family 11 subfamily B member 1; minus strand), LOC106799833 (CYP11B1 recombination region; plus strand). Cytogenetic location: 8q24.3.
Variant type: single nucleotide variant.
Coding change: c.422G>T on transcript NM_000497.4 (MANE Select); coding-DNA position 422, G replaced by T.
Protein change: p.Arg141Leu; replaces arginine 141 with leucine.
Molecular consequence: missense variant.
Genome position (GRCh38, 1-based): chr8:142,877,196, C>A on the plus strand (G>T on the coding strand, the complement: CYP11B1 is on the minus strand). VCF-style: chr8-142877196-C-A. GRCh37 (hg19) VCF-style: chr8-143958612-C-A.
Other names: c.422G>T, p.Arg141Leu (NM_001026213.1); short protein forms R141L.
Identifiers: ClinVar variation 2674654 (VCV002674654.2), dbSNP rs267601810, ClinGen allele CA372396182.